The following is an entry in ClinVar:

ClinVar aggregate classification (germline): Uncertain significance (1 of 4 stars; one submission).

Allele frequency attached by ClinVar (database versions not stated): gnomAD exomes 0.00001; 1000 Genomes Project 0.00020; 1000 Genomes Project 30x 0.00047.
gnomAD v4.1: 12 of 1,612,810 alleles (0.00074%); highest among the groups gnomAD compares: African/African-American, 0.012%; no homozygotes.

Submission:

Labcorp Genetics (formerly Invitae), Labcorp
Classification: Uncertain significance. Last evaluated: 2024-02-16. Review status: criteria provided, single submitter. Criteria: Invitae Variant Classification Sherloc (09022015). Collection method: clinical testing. Allele origin: germline.
Comment: This sequence change replaces proline, which is neutral and non-polar, with leucine, which is neutral and non-polar, at codon 65 of the TBX6 protein (p.Pro65Leu). This variant is present in population databases (rs370585726, gnomAD 0.02%). This variant has not been reported in the literature in individuals affected with TBX6-related conditions. ClinVar contains an entry for this variant (Variation ID: 1984096). An algorithm developed to predict the effect of missense changes on protein structure and function (PolyPhen-2) suggests that this variant is likely to be tolerated. In summary, the available evidence is currently insufficient to determine the role of this variant in disease. Therefore, it has been classified as a Variant of Uncertain Significance.

NM_004608.4(TBX6):c.194C>T (p.Pro65Leu)

Gene: TBX6 (T-box transcription factor 6; minus strand). Cytogenetic location: 16p11.2.
Variant type: single nucleotide variant.
Coding change: c.194C>T on transcript NM_004608.4 (MANE Select); coding-DNA position 194, C replaced by T.
Protein change: p.Pro65Leu; replaces proline 65 with leucine.
Molecular consequence: missense variant.
Genome position (GRCh38, 1-based): chr16:30,090,917, G>A on the plus strand (C>T on the coding strand, the complement: TBX6 is on the minus strand). VCF-style: chr16-30090917-G-A. GRCh37 (hg19) VCF-style: chr16-30102238-G-A.
Other names: short protein forms P65L.
Identifiers: ClinVar variation 1984096 (VCV001984096.4), dbSNP rs370585726, ClinGen allele CA8001979.